The following is an entry in ClinVar:

NM_006129.5(BMP1):c.1770T>C (p.Ala590=)

Gene: BMP1 (bone morphogenetic protein 1; plus strand). Cytogenetic location: 8p21.3.
Variant type: single nucleotide variant.
Coding change: c.1770T>C on transcript NM_006129.5 (MANE Select); coding-DNA position 1770, T replaced by C.
Protein change: p.Ala590=; no amino-acid change (alanine 590 retained).
Molecular consequence: synonymous variant. On other transcripts: non-coding transcript variant (2).
Genome position (GRCh38, 1-based): chr8:22,196,684, T>C. VCF-style: chr8-22196684-T-C. GRCh37 (hg19) VCF-style: chr8-22054197-T-C.
Other names: p.Ala590=; c.1770T>C, p.Ala590= (NM_001199.4).
Identifiers: ClinVar variation 362589 (VCV000362589.15), dbSNP rs2229777, ClinGen allele CA4664849.

ClinVar aggregate classification (germline): Benign. Review status: criteria provided, multiple submitters, no conflicts (2 of 4 stars). 6 submissions from 6 submitters: Benign (6). Last evaluated 2026-02-04.

Conditions:
Osteogenesis imperfecta type 13. Also called: OI, TYPE XIII; Osteogenesis imperfecta, type xiii. Identifiers: Orphanet 666, MedGen C3553887, MONDO:0013924, OMIM 614856.

Allele frequency attached by ClinVar (database versions not stated): ESP Exome Variant Server 0.10772; TOPMed 0.10942; gnomAD 0.11345 and 0.11538; gnomAD exomes 0.11393 and 0.11631; ExAC 0.11763; 1000 Genomes Project 0.12999; 1000 Genomes Project 30x 0.13148.
gnomAD v4.1: 184,150 of 1,613,668 alleles (11%); highest among the groups gnomAD compares: East Asian, 20%; 11,165 homozygotes.

Submissions (6):

Labcorp Genetics (formerly Invitae), Labcorp
Classification: Benign. Last evaluated: 2026-02-04. Review status: criteria provided, single submitter. Criteria: Invitae Variant Classification Sherloc (09022015). Collection method: clinical testing. Allele origin: germline.

Blueprint Genetics
Classification: Benign. Last evaluated: 2024-11-27. Review status: criteria provided, single submitter. Criteria: ACMG Guidelines, 2015. Collection method: clinical testing. Allele origin: germline.

Mayo Clinic Laboratories, Mayo Clinic
Classification: Benign. Last evaluated: 2022-04-26. Review status: criteria provided, single submitter. Criteria: ACMG Guidelines, 2015. Collection method: clinical testing. Allele origin: germline. Observed: 64 variant alleles.

Illumina Laboratory Services, Illumina
Classification: Benign for Osteogenesis imperfecta type 13. Last evaluated: 2018-01-13. Review status: criteria provided, single submitter. Criteria: ICSL Variant Classification Criteria 13 December 2019. Collection method: clinical testing. Allele origin: germline.
Comment: This variant was observed in the ICSL laboratory as part of a predisposition screen in an ostensibly healthy population. It had not been previously curated by ICSL or reported in the Human Gene Mutation Database (HGMD: prior to June 1st, 2018), and was therefore a candidate for classification through an automated scoring system. Utilizing variant allele frequency, disease prevalence and penetrance estimates, and inheritance mode, an automated score was calculated to assess if this variant is too frequent to cause the disease. Based on the score and internal cut-off values, a variant classified as benign is not then subjected to further curation. The score for this variant resulted in a classification of benign for this disease.

GeneDx
Classification: Benign. Last evaluated: 2017-06-09. Review status: criteria provided, single submitter. Criteria: GeneDx Variant Classification (06012015). Collection method: clinical testing. Allele origin: germline. Affected: yes.
Comment: This variant is considered likely benign or benign based on one or more of the following criteria: it is a conservative change, it occurs at a poorly conserved position in the protein, it is predicted to be benign by multiple in silico algorithms, and/or has population frequency not consistent with disease.

Breakthrough Genomics
Classification: Benign. Review status: criteria provided, single submitter. Criteria: ACMG Guidelines, 2015. Collection method: not provided. Allele origin: germline. Inheritance: Autosomal recessive inheritance. Affected: yes.